The following is an entry in ClinVar:

NM_014413.4(EIF2AK1):c.1640A>C (p.Glu547Ala)

Gene: EIF2AK1 (eukaryotic translation initiation factor 2 alpha kinase 1; minus strand). Cytogenetic location: 7p22.1.
Variant type: single nucleotide variant.
Coding change: c.1640A>C on transcript NM_014413.4 (MANE Select); coding-DNA position 1640, A replaced by C.
Protein change: p.Glu547Ala; replaces glutamic acid 547 with alanine.
Molecular consequence: missense variant.
Genome position (GRCh38, 1-based): chr7:6,026,852, T>G on the plus strand (A>C on the coding strand, the complement: EIF2AK1 is on the minus strand). VCF-style: chr7-6026852-T-G. GRCh37 (hg19) VCF-style: chr7-6066483-T-G.
Other names: c.1637A>C, p.Glu546Ala (NM_001134335.2); short protein forms E546A, E547A.
Identifiers: ClinVar variation 3645797 (VCV003645797.2).
Genomic context (GRCh38, chr7:6,026,852, plus strand): 5'-TTCCTTCTCGTTAAGTGCTGGATATACTTGGCTTGCACTGGACACCTTTTACGGAGGGAT[T>G]CCGGCAACTGACCAGTTCTTAAACCTGTTAGAACTTCTGCTCGCTCCATTTCTGTTCCAA-3'
Protein context (NP_055228.2, residues 537-557): LTGLRTGQLP[Glu547Ala]SLRKRCPVQA

ClinVar aggregate classification (germline): Uncertain significance (1 of 4 stars; one submission).

Submission:

Labcorp Genetics (formerly Invitae), Labcorp
Classification: Uncertain significance. Last evaluated: 2024-03-19. Review status: criteria provided, single submitter. Criteria: Invitae Variant Classification Sherloc (09022015). Collection method: clinical testing. Allele origin: germline.
Comment: This sequence change replaces glutamic acid, which is acidic and polar, with alanine, which is neutral and non-polar, at codon 547 of the EIF2AK1 protein (p.Glu547Ala). This variant is not present in population databases (gnomAD no frequency). This variant has not been reported in the literature in individuals affected with EIF2AK1-related conditions. Algorithms developed to predict the effect of missense changes on protein structure and function output the following: SIFT: "Not Available"; PolyPhen-2: "Benign"; Align-GVGD: "Not Available". The alanine amino acid residue is found in multiple mammalian species, which suggests that this missense change does not adversely affect protein function. In summary, the available evidence is currently insufficient to determine the role of this variant in disease. Therefore, it has been classified as a Variant of Uncertain Significance.